The following is an entry in ClinVar:

NM_001754.5(RUNX1):c.806-14C>T

Gene: RUNX1 (RUNX family transcription factor 1; minus strand). Cytogenetic location: 21q22.12.
Variant type: single nucleotide variant.
Coding change: c.806-14C>T on transcript NM_001754.5 (MANE Select); 14 bases into the intron before coding-DNA position 806, C replaced by T.
Molecular consequence: intron variant.
Genome position (GRCh38, 1-based): chr21:34,799,476, G>A on the plus strand (C>T on the coding strand, the complement: RUNX1 is on the minus strand). VCF-style: chr21-34799476-G-A. GRCh37 (hg19) VCF-style: chr21-36171773-G-A.
Other names: c.725-14C>T (NM_001001890.3).
Identifiers: ClinVar variation 1555737 (VCV001555737.8), dbSNP rs2145910297, ClinGen allele CA2573157371.

ClinVar aggregate classification (germline): Likely benign. Review status: reviewed by expert panel (3 of 4 stars). 2 submissions from 2 submitters: Likely benign (1). 1 of the submissions does not count toward it. Last evaluated 2023-11-13.

Conditions:
Hereditary thrombocytopenia and hematologic cancer predisposition syndrome. Identifiers: Orphanet 71290, MedGen CN281654, MONDO:0011071.
Hereditary thrombocytopenia and hematological cancer predisposition syndrome associated with RUNX1. Also called: RUNX1 Familial Platelet Disorder with Associated Myeloid Malignancies; Familial Platelet Disorder with Propensity to Acute Myelogenous Leukemia; Familial thrombocytopenia with propensity to acute myelogenous leukemia; PLATELET DISORDER, ASPIRIN-LIKE. Identifiers: Orphanet 71290, MedGen C1832388, MeSH C563324, MONDO:0100083, OMIM 601399.

Submissions (2):

ClinGen Myeloid Malignancy Variant Curation Expert Panel
Classification: Likely benign for Hereditary thrombocytopenia and hematologic cancer predisposition syndrome. Last evaluated: 2023-11-13. Review status: reviewed by expert panel. Criteria: ClinGen MyeloMalig ACMG Specifications v2. Collection method: curation. Allele origin: germline. Inheritance: Autosomal dominant inheritance.
Comment: The NM_001754.5(RUNX1):c.806-14C>T variant is intronic and is located upstream to exon 8. This is absent from all population databases, including gnomAD v2.1.1 and v3.1.2, with at least 20x coverage for RUNX1 (PM2_supporting). In addition, splicing algorithms predicted no effect on splicing (SpliceAI score 0.00 < 0.20) (BP4), and evolutionary conservation prediction algorithms predict the site as not being conserved (PhyloP100way (GRCh38/hg38) score 1.016 < 2.0) (BP7). To our knowledge, this variant has not been found in patients with FPD/AML phenotype, and no functional studies are available. In summary, this variant meets the criteria to be classified as likely benign. ACMG/AMP criteria applied, as specified by the Myeloid Malignancy Variant Curation Expert Panel for RUNX1: BP4, BP7, PM2_supporting.

Labcorp Genetics (formerly Invitae), Labcorp
Classification: Likely benign for Hereditary thrombocytopenia and hematological cancer predisposition syndrome associated with RUNX1. Last evaluated: 2021-04-30. Review status: criteria provided, single submitter. Criteria: Invitae Variant Classification Sherloc (09022015). Collection method: clinical testing. Allele origin: germline. Not counted in ClinVar's aggregate classification.